The following is an entry in ClinVar:

ClinVar aggregate classification (germline): Pathogenic/Likely pathogenic. Review status: criteria provided, multiple submitters, no conflicts (2 of 4 stars). 2 submissions from 2 submitters: Pathogenic (1); Likely pathogenic (1). Last evaluated 2023-06-15.

Conditions:
Cerebral creatine deficiency syndrome. Also called: Creatine deficiency syndromes. Identifiers: Orphanet 79172, MedGen C5244016, MONDO:0000456.
Deficiency of guanidinoacetate methyltransferase (CCDS2). Also called: GAMT DEFICIENCY; CEREBRAL CREATINE DEFICIENCY SYNDROME 2; Guanidinoacetate Methyltransferase (GAMT) Deficiency. Identifiers: Orphanet 382, MedGen C0574080, MONDO:0012999, OMIM 612736.

gnomAD v4.1: 1 of 1,613,606 alleles (0.000062%); highest among the groups gnomAD compares: East Asian, 0.0022%; no homozygotes.

Submissions (2):

Baylor Genetics
Classification: Likely pathogenic for Deficiency of guanidinoacetate methyltransferase. Last evaluated: 2023-06-15. Review status: criteria provided, single submitter. Criteria: ACMG Guidelines, 2015. Collection method: clinical testing. Allele origin: unknown.

Labcorp Genetics (formerly Invitae), Labcorp
Classification: Pathogenic for Cerebral creatine deficiency syndrome. Last evaluated: 2023-04-08. Review status: criteria provided, single submitter. Criteria: Invitae Variant Classification Sherloc (09022015). Collection method: clinical testing. Allele origin: germline.
Comment: For these reasons, this variant has been classified as Pathogenic. ClinVar contains an entry for this variant (Variation ID: 1382497). This premature translational stop signal has been observed in individual(s) with guanidinoacetate methyltransferase deficiency (PMID: 19027335). This variant is present in population databases (no rsID available, gnomAD 0.006%). This sequence change creates a premature translational stop signal (p.Tyr134*) in the GAMT gene. It is expected to result in an absent or disrupted protein product. Loss-of-function variants in GAMT are known to be pathogenic (PMID: 15108290).

Literature cited by the submitters: PubMed 19027335 (cited by Labcorp Genetics (formerly Invitae), Labcorp); PubMed 15108290 (cited by Labcorp Genetics (formerly Invitae), Labcorp).

NM_000156.6(GAMT):c.402C>A (p.Tyr134Ter)

Gene: GAMT (guanidinoacetate N-methyltransferase; minus strand). Cytogenetic location: 19p13.3.
Variant type: single nucleotide variant.
Coding change: c.402C>A on transcript NM_000156.6 (MANE Select); coding-DNA position 402, C replaced by A.
Protein change: p.Tyr134Ter; replaces tyrosine 134 with a stop codon.
Molecular consequence: nonsense.
Genome position (GRCh38, 1-based): chr19:1,399,185, G>T on the plus strand (C>A on the coding strand, the complement: GAMT is on the minus strand). VCF-style: chr19-1399185-G-T. GRCh37 (hg19) VCF-style: chr19-1399184-G-T.
Other names: c.402C>A, p.Tyr134Ter (NM_138924.3); short protein forms Y134*.
Identifiers: ClinVar variation 1382497 (VCV001382497.7), dbSNP rs556829801, ClinGen allele CA402995399.
Genomic context (GRCh38, chr19:1,399,185, plus strand): 5'-CACCTTGATGAAGTTGAACTGGTGTGTGTGCCAGGTCTCCTCCGAGAGTGGGTACGTGTC[G>T]TACAGGATCCCTGCACGGAGAACAGAAGCCCACGCGGTCAGGGCCGGGCTCAGCGCCTCA-3'